The following is an entry in ClinVar:

NM_001370959.1(POU6F2):c.1347G>A (p.Val449=)

Gene: POU6F2 (POU class 6 homeobox 2; plus strand). Cytogenetic location: 7p14.1.
Variant type: single nucleotide variant.
Coding change: c.1347G>A on transcript NM_001370959.1 (MANE Select); coding-DNA position 1347, G replaced by A.
Protein change: p.Val449=; no amino-acid change (valine 449 retained).
Molecular consequence: synonymous variant.
Genome position (GRCh38, 1-based): chr7:39,451,559, G>A. VCF-style: chr7-39451559-G-A. GRCh37 (hg19) VCF-style: chr7-39491158-G-A.
Other names: c.1260G>A, p.Val420= (NM_001166018.2, NM_007252.4).
Identifiers: ClinVar variation 3356532 (VCV003356532.1).
Genomic context (GRCh38, chr7:39,451,559, plus strand): 5'-CATTTGTGTATTTTTTTTACATCCCCTCATGTAGCTCCACCAACCCTCCCAGACGTCAGT[G>A]GGTCAAGCAGCCTCCCAAGGCAACCTTCTGCACCTGGCTCACAGCCAAGCATCCATGTCT-3'
Protein context (NP_001357888.1, residues 439-459): QQLHQPSQTS[Val449=]GQAASQGNLL

ClinVar aggregate classification (germline): Likely benign (0 of 4 stars; one submission).

Conditions:
POU6F2-related disorder. Also called: POU6F2-related condition.

gnomAD v4.1: 2,972 of 1,613,580 alleles (0.18%); highest among the groups gnomAD compares: Non-Finnish European, 0.23%; 3 homozygotes.

Submission:

PreventionGenetics, part of Exact Sciences
Classification: Likely benign for POU6F2-related condition. Last evaluated: 2024-04-18. Review status: no assertion criteria provided. Collection method: clinical testing. Allele origin: germline.
Comment: This variant is classified as likely benign based on ACMG/AMP sequence variant interpretation guidelines (Richards et al. 2015 PMID: 25741868, with internal and published modifications).